The following is an entry in ClinVar:

NM_006623.4(PHGDH):c.683G>A (p.Gly228Glu)

Gene: PHGDH (phosphoglycerate dehydrogenase; plus strand). Cytogenetic location: 1p12.
Variant type: single nucleotide variant.
Coding change: c.683G>A on transcript NM_006623.4 (MANE Select); coding-DNA position 683, G replaced by A.
Protein change: p.Gly228Glu; replaces glycine 228 with glutamic acid.
Molecular consequence: missense variant.
Genome position (GRCh38, 1-based): chr1:119,735,334, G>A. VCF-style: chr1-119735334-G-A. GRCh37 (hg19) VCF-style: chr1-120277957-G-A.
Other names: short protein forms G228E.
Identifiers: ClinVar variation 2034730 (VCV002034730.4), dbSNP rs936825114, ClinGen allele CA30260224.

ClinVar aggregate classification (germline): Uncertain significance (1 of 4 stars; one submission).

Conditions:
PHGDH deficiency. Identifiers: Orphanet 79351, MedGen C1866174, MONDO:0011152, OMIM 601815.

Allele frequency attached by ClinVar (database versions not stated): TOPMed 0.00002.

Submission:

Labcorp Genetics (formerly Invitae), Labcorp
Classification: Uncertain significance for PHGDH deficiency. Last evaluated: 2022-04-07. Review status: criteria provided, single submitter. Criteria: Invitae Variant Classification Sherloc (09022015). Collection method: clinical testing. Allele origin: germline.
Comment: This sequence change replaces glycine, which is neutral and non-polar, with glutamic acid, which is acidic and polar, at codon 228 of the PHGDH protein (p.Gly228Glu). This variant is not present in population databases (gnomAD no frequency). This variant has not been reported in the literature in individuals affected with PHGDH-related conditions. Algorithms developed to predict the effect of missense changes on protein structure and function (SIFT, PolyPhen-2, Align-GVGD) all suggest that this variant is likely to be disruptive. In summary, the available evidence is currently insufficient to determine the role of this variant in disease. Therefore, it has been classified as a Variant of Uncertain Significance.